The following is an entry in ClinVar:

NM_000612.6(IGF2):c.416G>T (p.Gly139Val)

Genes: IGF2 (insulin like growth factor 2; minus strand), INS-IGF2 (INS-IGF2 readthrough; minus strand). Cytogenetic location: 11p15.5.
Variant type: single nucleotide variant.
Coding change: c.416G>T on transcript NM_000612.6 (MANE Select); coding-DNA position 416, G replaced by T.
Protein change: p.Gly139Val; replaces glycine 139 with valine.
Molecular consequence: missense variant. On other transcripts: non-coding transcript variant (1).
Genome position (GRCh38, 1-based): chr11:2,133,114, C>A on the plus strand (G>T on the coding strand, the complement: IGF2 is on the minus strand). VCF-style: chr11-2133114-C-A. GRCh37 (hg19) VCF-style: chr11-2154344-C-A.
Other names: c.584G>T (NM_001127598.1); c.416G>T, p.Gly139Val (NM_001007139.6, NM_001291861.3, NM_001291862.3); c.584G>T, p.Gly195Val (NM_001127598.3); short protein forms G195V, G139V.
Identifiers: ClinVar variation 1917711 (VCV001917711.3), dbSNP rs369452652, ClinGen allele CA5817620.
Genomic context (GRCh38, chr11:2,133,114, plus strand): 5'-ATCAGGGGACGGTGACGTTTGGCCTCCCTGAACGCCTCGAGCTCCTTGGCGAGCACGTGA[C>A]CCCGGCGGGCACGCAGGAGGGCAGGCAGGCCCCTGCGCAGGCGCTGGGTGGACTGCTTCC-3'
Protein context (NP_000603.1, residues 129-149): GLPALLRARR[Gly139Val]HVLAKELEAF

ClinVar aggregate classification (germline): Uncertain significance. Review status: criteria provided, multiple submitters, no conflicts (2 of 4 stars). 2 submissions from 2 submitters: Uncertain significance (2). Last evaluated 2025-08-26.

Conditions:
Inborn genetic diseases. Identifiers: MedGen C0950123, MeSH D030342.

Allele frequency attached by ClinVar (database versions not stated): gnomAD 0.00001; gnomAD exomes 0.00001; ExAC 0.00003; TOPMed 0.00004; ESP Exome Variant Server 0.00008.
gnomAD v4.1: 12 of 1,606,840 alleles (0.00075%); highest among the groups gnomAD compares: African/African-American, 0.0013%; no homozygotes.

Submissions (2):

Ambry Genetics
Classification: Uncertain significance for Inborn genetic diseases. Last evaluated: 2025-08-26. Review status: criteria provided, single submitter. Criteria: Ambry Variant Classification Scheme 2023. Collection method: clinical testing. Allele origin: germline.

Labcorp Genetics (formerly Invitae), Labcorp
Classification: Uncertain significance. Last evaluated: 2022-09-28. Review status: criteria provided, single submitter. Criteria: Invitae Variant Classification Sherloc (09022015). Collection method: clinical testing. Allele origin: germline.
Comment: This sequence change replaces glycine, which is neutral and non-polar, with valine, which is neutral and non-polar, at codon 139 of the IGF2 protein (p.Gly139Val). This variant is present in population databases (rs369452652, gnomAD 0.03%). This variant has not been reported in the literature in individuals affected with IGF2-related conditions. Algorithms developed to predict the effect of missense changes on protein structure and function are either unavailable or do not agree on the potential impact of this missense change (SIFT: "Tolerated"; PolyPhen-2: "Probably Damaging"; Align-GVGD: "Class C0"). In summary, the available evidence is currently insufficient to determine the role of this variant in disease. Therefore, it has been classified as a Variant of Uncertain Significance.